The following is an entry in ClinVar:

ClinVar aggregate classification (germline): Likely pathogenic (1 of 4 stars; one submission).

Conditions:
Methylmalonic aciduria and homocystinuria type cblF. Also called: COBALAMIN F DISEASE; COBALAMIN, DEFECT IN LYSOSOMAL RELEASE OF; METHYLMALONIC ACIDEMIA AND HOMOCYSTINURIA, cblF TYPE; METHYLMALONIC ACIDURIA DUE TO VITAMIN B12-RELEASE DEFECT; VITAMIN B12 LYSOSOMAL RELEASE DEFECT; VITAMIN B12 STORAGE DISEASE. Identifiers: Orphanet 79284, MedGen C1848578, MONDO:0010183, OMIM 277380.

Submission:

Labcorp Genetics (formerly Invitae), Labcorp
Classification: Likely pathogenic for Methylmalonic aciduria and homocystinuria type cblF. Last evaluated: 2023-07-07. Review status: criteria provided, single submitter. Criteria: Invitae Variant Classification Sherloc (09022015). Collection method: clinical testing. Allele origin: germline.
Comment: In summary, the currently available evidence indicates that the variant is pathogenic, but additional data are needed to prove that conclusively. Therefore, this variant has been classified as Likely Pathogenic. Algorithms developed to predict the effect of sequence changes on RNA splicing suggest that this variant may disrupt the consensus splice site. This variant has not been reported in the literature in individuals affected with LMBRD1-related conditions. This variant is not present in population databases (gnomAD no frequency). This sequence change affects a donor splice site in intron 4 of the LMBRD1 gene. It is expected to disrupt RNA splicing. Variants that disrupt the donor or acceptor splice site typically lead to a loss of protein function (PMID: 16199547), and loss-of-function variants in LMBRD1 are known to be pathogenic (PMID: 19136951, 21303734).

Literature cited by the submitters: PubMed 16199547; PubMed 19136951; PubMed 21303734.

NM_018368.4(LMBRD1):c.405+2T>C

Gene: LMBRD1 (LMBR1 domain containing 1; minus strand). Cytogenetic location: 6q13.
Variant type: single nucleotide variant.
Coding change: c.405+2T>C on transcript NM_018368.4 (MANE Select); the canonical splice donor site of the intron after coding-DNA position 405, T replaced by C.
Molecular consequence: splice donor variant.
Genome position (GRCh38, 1-based): chr6:69,752,257, A>G on the plus strand (T>C on the coding strand, the complement: LMBRD1 is on the minus strand). VCF-style: chr6-69752257-A-G. GRCh37 (hg19) VCF-style: chr6-70462149-A-G.
Other names: c.186+2T>C (NM_001367272.1, NM_001367271.1, NM_001363722.2).
Identifiers: ClinVar variation 2737868 (VCV002737868.3), dbSNP rs2481410901, ClinGen allele CA364801980.